The following is an entry in ClinVar:

NM_002439.5(MSH3):c.2651T>C (p.Leu884Ser)

Gene: MSH3 (mutS homolog 3; plus strand). Cytogenetic location: 5q14.1.
Variant type: single nucleotide variant.
Coding change: c.2651T>C on transcript NM_002439.5 (MANE Select); coding-DNA position 2651, T replaced by C.
Protein change: p.Leu884Ser; replaces leucine 884 with serine.
Molecular consequence: missense variant.
Genome position (GRCh38, 1-based): chr5:80,792,840, T>C. VCF-style: chr5-80792840-T-C. GRCh37 (hg19) VCF-style: chr5-80088659-T-C.
Other names: short protein forms L884S.
Identifiers: ClinVar variation 4653689 (VCV004653689.1).

ClinVar aggregate classification (germline): Uncertain significance (1 of 4 stars; one submission).

Conditions:
Hereditary cancer-predisposing syndrome. Also called: Neoplastic Syndromes, Hereditary; Tumor predisposition; Hereditary Cancer Syndrome; Hereditary neoplastic syndrome. Identifiers: Orphanet 140162, MedGen C0027672, MeSH D009386, MONDO:0015356.

gnomAD v4.1: 3 of 1,589,742 alleles (0.00019%); no homozygotes.

Submission:

Ambry Genetics
Classification: Uncertain significance for Hereditary cancer-predisposing syndrome. Last evaluated: 2025-11-15. Review status: criteria provided, single submitter. Criteria: Ambry Variant Classification Scheme 2023. Collection method: clinical testing. Allele origin: germline.
Comment: The p.L884S variant (also known as c.2651T>C), located in coding exon 19 of the MSH3 gene, results from a T to C substitution at nucleotide position 2651. The leucine at codon 884 is replaced by serine, an amino acid with dissimilar properties. This amino acid position is conserved. In addition, this alteration is predicted to be deleterious by in silico analysis. Based on the available evidence, the clinical significance of this variant remains unclear.